The following is an entry in ClinVar:

NM_001002295.2(GATA3):c.*26C>G

Gene: GATA3 (GATA binding protein 3; plus strand). Cytogenetic location: 10p14.
Variant type: single nucleotide variant.
Coding change: c.*26C>G on transcript NM_001002295.2 (MANE Select); 26 bases downstream of the stop codon, C replaced by G.
Molecular consequence: 3 prime UTR variant.
Genome position (GRCh38, 1-based): chr10:8,074,049, C>G. VCF-style: chr10-8074049-C-G. GRCh37 (hg19) VCF-style: chr10-8116012-C-G.
Other names: c.*26C>G (NM_002051.3).
Identifiers: ClinVar variation 301130 (VCV000301130.5), dbSNP rs200946839, ClinGen allele CA5404598.

ClinVar aggregate classification (germline): Benign (1 of 4 stars; one submission).

Conditions:
Hypoparathyroidism, deafness, renal disease syndrome (HDRS). Also called: HYPOPARATHYROIDISM, SENSORINEURAL DEAFNESS, AND RENAL DYSPLASIA SYNDROME. Identifiers: Orphanet 2237, MedGen C1840333, MONDO:0007797, OMIM 146255.

Allele frequency attached by ClinVar (database versions not stated): TOPMed 0.00026; 1000 Genomes Project 30x 0.00031; 1000 Genomes Project 0.00040; ESP Exome Variant Server 0.00054; gnomAD exomes 0.00073 and 0.00099; gnomAD 0.00076 and 0.00082; ExAC 0.00090.
gnomAD v4.1: 1,152 of 1,612,618 alleles (0.071%); highest among the groups gnomAD compares: Non-Finnish European, 0.061%; 2 homozygotes.

Submission:

Illumina Laboratory Services, Illumina
Classification: Benign for Hypoparathyroidism, deafness, renal disease syndrome. Last evaluated: 2018-01-12. Review status: criteria provided, single submitter. Criteria: ICSL Variant Classification Criteria 13 December 2019. Collection method: clinical testing. Allele origin: germline.
Comment: This variant was observed in the ICSL laboratory as part of a predisposition screen in an ostensibly healthy population. It had not been previously curated by ICSL or reported in the Human Gene Mutation Database (HGMD: prior to June 1st, 2018), and was therefore a candidate for classification through an automated scoring system. Utilizing variant allele frequency, disease prevalence and penetrance estimates, and inheritance mode, an automated score was calculated to assess if this variant is too frequent to cause the disease. Based on the score and internal cut-off values, a variant classified as benign is not then subjected to further curation. The score for this variant resulted in a classification of benign for this disease.